The following is an entry in ClinVar:

NM_001286.5(CLCN6):c.1585T>C (p.Phe529Leu)

Gene: CLCN6 (chloride voltage-gated channel 6; plus strand). Cytogenetic location: 1p36.22.
Variant type: single nucleotide variant.
Coding change: c.1585T>C on transcript NM_001286.5 (MANE Select); coding-DNA position 1585, T replaced by C.
Protein change: p.Phe529Leu; replaces phenylalanine 529 with leucine.
Molecular consequence: missense variant. On other transcripts: non-coding transcript variant (1).
Genome position (GRCh38, 1-based): chr1:11,834,294, T>C. VCF-style: chr1-11834294-T-C. GRCh37 (hg19) VCF-style: chr1-11894351-T-C.
Other names: c.1519T>C, p.Phe507Leu (NM_001256959.2); short protein forms F529L, F507L.
Identifiers: ClinVar variation 1409728 (VCV001409728.6), dbSNP rs1350403864, ClinGen allele CA338435797.

ClinVar aggregate classification (germline): Uncertain significance (1 of 4 stars; one submission).

Allele frequency attached by ClinVar (database versions not stated): gnomAD exomes below 0.00001; TOPMed below 0.00001; gnomAD 0.00001.
gnomAD v4.1: 2 of 1,614,008 alleles (0.00012%); highest among the groups gnomAD compares: Non-Finnish European, 0.00017%; no homozygotes.

Submission:

Labcorp Genetics (formerly Invitae), Labcorp
Classification: Uncertain significance. Last evaluated: 2022-11-22. Review status: criteria provided, single submitter. Criteria: Invitae Variant Classification Sherloc (09022015). Collection method: clinical testing. Allele origin: germline.
Comment: This sequence change replaces phenylalanine, which is neutral and non-polar, with leucine, which is neutral and non-polar, at codon 529 of the CLCN6 protein (p.Phe529Leu). This variant is not present in population databases (gnomAD no frequency). This variant has not been reported in the literature in individuals affected with CLCN6-related conditions. ClinVar contains an entry for this variant (Variation ID: 1409728). Algorithms developed to predict the effect of missense changes on protein structure and function output the following: SIFT: "Tolerated"; PolyPhen-2: "Benign"; Align-GVGD: "Class C0". The leucine amino acid residue is found in multiple mammalian species, which suggests that this missense change does not adversely affect protein function. In summary, the available evidence is currently insufficient to determine the role of this variant in disease. Therefore, it has been classified as a Variant of Uncertain Significance.